The following is an entry in ClinVar:

ClinVar aggregate classification (germline): Conflicting classifications of pathogenicity. Review status: criteria provided, conflicting classifications (1 of 4 stars). 2 submissions from 2 submitters: Uncertain significance (1); Likely benign (1). Last evaluated 2026-07-11.

Conditions:
Cardiovascular phenotype. Identifiers: MedGen CN230736.
Hereditary hemorrhagic telangiectasia (HHT). Also called: ORW DISEASE; Osler Weber Rendu syndrome; OSLER-RENDU-WEBER DISEASE; Osler hemorrhagic telangiectasia syndrome. Identifiers: Orphanet 774, MedGen C0039445, MONDO:0019180. Disease mechanism: loss of function.

gnomAD v4.1: 8 of 1,614,194 alleles (0.0005%); highest among the groups gnomAD compares: Admixed American, 0.01%; no homozygotes.

Submissions (2):

Ambry Genetics
Classification: Likely benign for Cardiovascular phenotype. Last evaluated: 2026-07-11. Review status: criteria provided, single submitter. Criteria: Ambry Variant Classification Scheme 2023. Collection method: clinical testing. Allele origin: germline.

Labcorp Genetics (formerly Invitae), Labcorp
Classification: Uncertain significance for Hereditary hemorrhagic telangiectasia. Last evaluated: 2022-04-19. Review status: criteria provided, single submitter. Criteria: Invitae Variant Classification Sherloc (09022015). Collection method: clinical testing. Allele origin: germline.
Comment: This sequence change replaces arginine, which is basic and polar, with serine, which is neutral and polar, at codon 571 of the ENG protein (p.Arg571Ser). This variant is present in population databases (rs764262721, gnomAD 0.01%). This variant has not been reported in the literature in individuals affected with ENG-related conditions. Algorithms developed to predict the effect of missense changes on protein structure and function are either unavailable or do not agree on the potential impact of this missense change (SIFT: "Deleterious"; PolyPhen-2: "Possibly Damaging"; Align-GVGD: "Class C0"). In summary, the available evidence is currently insufficient to determine the role of this variant in disease. Therefore, it has been classified as a Variant of Uncertain Significance.

NM_001114753.3(ENG):c.1711C>A (p.Arg571Ser)

Genes: ENG (endoglin; minus strand), LOC102723566 (uncharacterized LOC102723566; plus strand). Cytogenetic location: 9q34.11.
Variant type: single nucleotide variant.
Coding change: c.1711C>A on transcript NM_001114753.3 (MANE Select); coding-DNA position 1711, C replaced by A.
Protein change: p.Arg571Ser; replaces arginine 571 with serine.
Molecular consequence: missense variant. On other transcripts: non-coding transcript variant (1).
Genome position (GRCh38, 1-based): chr9:127,817,179, G>T on the plus strand (C>A on the coding strand, the complement: ENG is on the minus strand). VCF-style: chr9-127817179-G-T. GRCh37 (hg19) VCF-style: chr9-130579458-G-T.
Other names: c.1711C>A (NM_001114753.1); c.1711C>A, p.Arg571Ser (NM_000118.4); c.1165C>A, p.Arg389Ser (NM_001278138.2); short protein forms R571S, R389S.
Identifiers: ClinVar variation 2153734 (VCV002153734.2), dbSNP rs764262721, ClinGen allele CA5252672.